The following is an entry in ClinVar:

NM_001145196.1(SPATA31A6):c.1959G>A (p.Gln653=)

Gene: SPATA31A6 (SPATA31 subfamily A member 6; plus strand). Cytogenetic location: 9p11.2.
Variant type: single nucleotide variant.
Coding change: c.1959G>A on transcript NM_001145196.1 (MANE Select); coding-DNA position 1959, G replaced by A.
Protein change: p.Gln653=; no amino-acid change (glutamine 653 retained).
Molecular consequence: synonymous variant.
Genome position (GRCh38, 1-based): chr9:42,187,661, G>A. VCF-style: chr9-42187661-G-A. GRCh37 (hg19) VCF-style: chr9-43626728-C-T.
Identifiers: ClinVar variation 2659216 (VCV002659216.24), dbSNP rs778070341, ClinGen allele CA5067504.

ClinVar aggregate classification (germline): Likely benign (1 of 4 stars; one submission).

Allele frequency attached by ClinVar (database versions not stated): ExAC 0.00007; gnomAD 0.00014; gnomAD exomes 0.00016.

Submission:

CeGaT Center for Human Genetics Tuebingen
Classification: Likely benign. Last evaluated: 2022-11-01. Review status: criteria provided, single submitter. Criteria: CeGaT Center For Human Genetics Tuebingen Variant Classification Criteria Version 2. Collection method: clinical testing. Allele origin: germline. Affected: yes. Observed: 1 variant allele.
Comment: SPATA31A6: BP4, BP7, BS2